The following is an entry in ClinVar:

NM_001029883.3(PCARE):c.1114G>A (p.Asp372Asn)

Gene: PCARE (photoreceptor cilium actin regulator; minus strand). Cytogenetic location: 2p23.2.
Variant type: single nucleotide variant.
Coding change: c.1114G>A on transcript NM_001029883.3 (MANE Select); coding-DNA position 1114, G replaced by A.
Protein change: p.Asp372Asn; replaces aspartic acid 372 with asparagine.
Molecular consequence: missense variant.
Genome position (GRCh38, 1-based): chr2:29,073,148, C>T on the plus strand (G>A on the coding strand, the complement: PCARE is on the minus strand). VCF-style: chr2-29073148-C-T. GRCh37 (hg19) VCF-style: chr2-29296014-C-T.
Other names: short protein forms D372N.
Identifiers: ClinVar variation 811353 (VCV000811353.39), dbSNP rs201284350, ClinGen allele CA1592496.

ClinVar aggregate classification (germline): Uncertain significance. Review status: criteria provided, multiple submitters, no conflicts (2 of 4 stars). 5 submissions from 5 submitters: Uncertain significance (5). Last evaluated 2024-05-03.

Allele frequency attached by ClinVar (database versions not stated): ExAC 0.00003; gnomAD exomes 0.00003 and 0.00008; gnomAD 0.00006 and 0.00008; TOPMed 0.00006; 1000 Genomes Project 30x 0.00016; 1000 Genomes Project 0.00020.

Submissions (5):

Blueprint Genetics
Classification: Uncertain significance. Last evaluated: 2024-05-03. Review status: criteria provided, single submitter. Criteria: ACMG Guidelines, 2015. Collection method: clinical testing. Allele origin: germline.

Labcorp Genetics (formerly Invitae), Labcorp
Classification: Uncertain significance. Last evaluated: 2023-12-18. Review status: criteria provided, single submitter. Criteria: Invitae Variant Classification Sherloc (09022015). Collection method: clinical testing. Allele origin: germline.
Comment: This sequence change replaces aspartic acid, which is acidic and polar, with asparagine, which is neutral and polar, at codon 372 of the PCARE protein (p.Asp372Asn). This variant is present in population databases (rs201284350, gnomAD 0.006%). This variant has not been reported in the literature in individuals affected with PCARE-related conditions. ClinVar contains an entry for this variant (Variation ID: 811353). An algorithm developed to predict the effect of missense changes on protein structure and function (PolyPhen-2) suggests that this variant is likely to be disruptive. In summary, the available evidence is currently insufficient to determine the role of this variant in disease. Therefore, it has been classified as a Variant of Uncertain Significance.

CeGaT Center for Human Genetics Tuebingen
Classification: Uncertain significance. Last evaluated: 2023-09-01. Review status: criteria provided, single submitter. Criteria: CeGaT Center For Human Genetics Tuebingen Variant Classification Criteria Version 2. Collection method: clinical testing. Allele origin: germline. Affected: yes. Observed: 1 variant allele.
Comment: PCARE: PM2, BP4

Centre for Mendelian Genomics, University Medical Centre Ljubljana
Classification: Uncertain significance. Last evaluated: 2019-05-04. Review status: criteria provided, single submitter. Criteria: ACMG Guidelines, 2015. Collection method: clinical testing. Allele origin: unknown. Affected: yes.
Comment: This variant was classified as: Uncertain significance. The following ACMG criteria were applied in classifying this variant: PM2,PP5.

ARUP Laboratories, Molecular Genetics and Genomics, ARUP Laboratories
Classification: Uncertain significance. Last evaluated: 2019-04-09. Review status: criteria provided, single submitter. Criteria: ARUP Molecular Germline Variant Investigation Process. Collection method: clinical testing. Allele origin: germline.
Comment: The C2orf71 (PCARE) c.1114G>A; p.Asp372Asn variant (rs201284350) is reported in the literature in an individual affected with retinitis pigmentosa, though it was not demonstrated to be disease-causing (Audo 2011). This variant is found on nine chromosomes (9/280902 alleles) in the Genome Aggregation Database. The aspartate at codon 372 is highly conserved, but computational analyses (SIFT: damaging, PolyPhen-2: benign) predict conflicting effects of this variant on protein structure/function. Due to limited information, the clinical significance of the p.Asp372Asn variant is uncertain at this time. References: Audo I et al. Novel C2orf71 mutations account for 1% of cases in a large French arRP cohort. Hum Mutat. 2011 Apr;32(4):E2091-103